The following is an entry in ClinVar:

ClinVar aggregate classification (somatic clinical impact): Tier I - Strong (1 of 4 stars; one submission).

Conditions:
Dysembryoplastic neuroepithelial tumor. Identifiers: Orphanet 251946, MedGen C1266177, MONDO:0005505, HP:0033703.

Submission:

Institute for Genomic Medicine (IGM) Clinical Laboratory, Nationwide Children's Hospital
Classification: Tier I - Strong for Dysembryoplastic neuroepithelial tumor. Assertion type: diagnostic. Clinical significance: supports diagnosis. Last evaluated: 2024-08-30. Review status: criteria provided, single submitter. Criteria: AMP/ASCO/CAP Guidelines, 2017. Collection method: clinical testing. Allele origin: somatic. Affected: yes.
Comment: Variant has Tier I (strong) clinical significance as a diagnostic inclusion criterion in dysembryoplastic neuroepithelial tumor, based on the following evidence: 1) Appears in one or more well-established professional guidelines (e.g., World Health Organization [WHO]; National Comprehensive Cancer Network [NCCN]) as providing diagnostic, prognostic, or therapeutic information. 2) Diagnostic for a specific tumor type/classification according to professional guidelines (Evidence Level A; PMIDs: 26810070, 26920151, 30825062, 35836307).

Literature cited by the submitters: PubMed 26810070; PubMed 26920151; PubMed 30825062; PubMed 35836307.

NM_023110.3(FGFR1):c.1953C>G (p.Ile651Met)

Gene: FGFR1 (fibroblast growth factor receptor 1; minus strand). Cytogenetic location: 8p11.23.
Variant type: single nucleotide variant.
Coding change: c.1953C>G on transcript NM_023110.3 (MANE Select); coding-DNA position 1953, C replaced by G.
Protein change: p.Ile651Met; replaces isoleucine 651 with methionine.
Molecular consequence: missense variant.
Genome position (GRCh38, 1-based): chr8:38,414,803, G>C on the plus strand (C>G on the coding strand, the complement: FGFR1 is on the minus strand). VCF-style: chr8-38414803-G-C. GRCh37 (hg19) VCF-style: chr8-38272321-G-C.
Other names: c.1674C>G, p.Ile558Met (NM_001354368.2); c.1941C>G, p.Ile647Met (NM_001354369.2, NM_001410922.1); c.1680C>G, p.Ile560Met (NM_001354370.2, NM_023106.3); c.1947C>G, p.Ile649Met (NM_015850.4, NM_001174063.2, NM_001174065.2 and 1 more transcripts); c.1686C>G, p.Ile562Met (NM_023105.3, NM_001174066.2); c.1923C>G, p.Ile641Met (NM_001174064.2); c.2046C>G, p.Ile682Met (NM_001174067.2); short protein forms I558M, I560M, I562M, I641M, I647M, I649M, I651M, I682M.
Identifiers: ClinVar variation 4530554 (VCV004530554.1).